The following is an entry in ClinVar:

NM_022765.4(MICAL1):c.325C>T (p.Arg109Ter)

Gene: MICAL1 (microtubule associated monooxygenase, calponin and LIM domain containing 1; minus strand). Cytogenetic location: 6q21.
Variant type: single nucleotide variant.
Coding change: c.325C>T on transcript NM_022765.4 (MANE Select); coding-DNA position 325, C replaced by T.
Protein change: p.Arg109Ter; replaces arginine 109 with a stop codon.
Molecular consequence: nonsense.
Genome position (GRCh38, 1-based): chr6:109,453,779, G>A on the plus strand (C>T on the coding strand, the complement: MICAL1 is on the minus strand). VCF-style: chr6-109453779-G-A. GRCh37 (hg19) VCF-style: chr6-109774982-G-A.
Other names: c.325C>T, p.Arg109Ter (NM_001159291.2); c.382C>T, p.Arg128Ter (NM_001286613.2); short protein forms R128*, R109*.
Identifiers: ClinVar variation 2079221 (VCV002079221.4), dbSNP rs371395333, ClinGen allele CA3953814.

ClinVar aggregate classification (germline): Uncertain significance (1 of 4 stars; one submission).

Allele frequency attached by ClinVar (database versions not stated): gnomAD 0.00002; TOPMed 0.00002; ESP Exome Variant Server 0.00015.
gnomAD v4.1: 19 of 1,613,570 alleles (0.0012%); highest among the groups gnomAD compares: Admixed American, 0.01%; no homozygotes.

Submission:

Labcorp Genetics (formerly Invitae), Labcorp
Classification: Uncertain significance. Last evaluated: 2024-10-30. Review status: criteria provided, single submitter. Criteria: Invitae Variant Classification Sherloc (09022015). Collection method: clinical testing. Allele origin: germline.
Comment: This sequence change creates a premature translational stop signal (p.Arg128*) in the MICAL1 gene. It is expected to result in an absent or disrupted protein product. However, the current clinical and genetic evidence is not sufficient to establish whether loss-of-function variants in MICAL1 cause disease. This variant is present in population databases (rs371395333, gnomAD 0.01%). This variant has not been reported in the literature in individuals affected with MICAL1-related conditions. ClinVar contains an entry for this variant (Variation ID: 2079221). In summary, the available evidence is currently insufficient to determine the role of this variant in disease. Therefore, it has been classified as a Variant of Uncertain Significance.